The following is an entry in ClinVar:

NM_030630.3(HID1):c.2360G>A (p.Arg787Gln)

Gene: HID1 (HID1 domain containing; minus strand). Cytogenetic location: 17q25.1.
Variant type: single nucleotide variant.
Coding change: c.2360G>A on transcript NM_030630.3 (MANE Select); coding-DNA position 2360, G replaced by A.
Protein change: p.Arg787Gln; replaces arginine 787 with glutamine.
Molecular consequence: missense variant.
Genome position (GRCh38, 1-based): chr17:74,951,577, C>T on the plus strand (G>A on the coding strand, the complement: HID1 is on the minus strand). VCF-style: chr17-74951577-C-T. GRCh37 (hg19) VCF-style: chr17-72947672-C-T.
Other names: short protein forms R787Q.
Identifiers: ClinVar variation 2648247 (VCV002648247.24), dbSNP rs147346796, ClinGen allele CA8755321.

ClinVar aggregate classification (germline): Likely benign (1 of 4 stars; one submission).

Allele frequency attached by ClinVar (database versions not stated): ESP Exome Variant Server 0.00015; TOPMed 0.00016; gnomAD 0.00024; ExAC 0.00070; 1000 Genomes Project 30x 0.00094; 1000 Genomes Project 0.00120.

Submission:

CeGaT Center for Human Genetics Tuebingen
Classification: Likely benign. Last evaluated: 2023-04-01. Review status: criteria provided, single submitter. Criteria: CeGaT Center For Human Genetics Tuebingen Variant Classification Criteria Version 2. Collection method: clinical testing. Allele origin: germline. Affected: yes. Observed: 1 variant allele.
Comment: HID1: BS1